The following is an entry in ClinVar:

ClinVar aggregate classification (germline): Uncertain significance (1 of 4 stars; one submission).

Allele frequency attached by ClinVar (database versions not stated): gnomAD exomes 0.00001 and 0.00003; TOPMed 0.00001; ExAC 0.00003.
gnomAD v4.1: 8 of 1,614,072 alleles (0.0005%); highest among the groups gnomAD compares: East Asian, 0.018%; no homozygotes.

Submission:

Labcorp Genetics (formerly Invitae), Labcorp
Classification: Uncertain significance. Last evaluated: 2021-04-10. Review status: criteria provided, single submitter. Criteria: Invitae Variant Classification Sherloc (09022015). Collection method: clinical testing. Allele origin: germline.
Comment: In summary, the available evidence is currently insufficient to determine the role of this variant in disease. Therefore, it has been classified as a Variant of Uncertain Significance. Advanced modeling of protein sequence and biophysical properties (such as structural, functional, and spatial information, amino acid conservation, physicochemical variation, residue mobility, and thermodynamic stability) performed at Invitae indicates that this missense variant is not expected to disrupt COL4A2 protein function. This variant has not been reported in the literature in individuals with COL4A2-related conditions. This variant is present in population databases (rs779464248, ExAC 0.05%). This sequence change replaces leucine with phenylalanine at codon 1099 of the COL4A2 protein (p.Leu1099Phe). The leucine residue is highly conserved and there is a small physicochemical difference between leucine and phenylalanine.

NM_001846.4(COL4A2):c.3297A>C (p.Leu1099Phe)

Gene: COL4A2 (collagen type IV alpha 2 chain; plus strand). Cytogenetic location: 13q34.
Variant type: single nucleotide variant.
Coding change: c.3297A>C on transcript NM_001846.4 (MANE Select); coding-DNA position 3297, A replaced by C.
Protein change: p.Leu1099Phe; replaces leucine 1099 with phenylalanine.
Molecular consequence: missense variant.
Genome position (GRCh38, 1-based): chr13:110,489,736, A>C. VCF-style: chr13-110489736-A-C. GRCh37 (hg19) VCF-style: chr13-111142083-A-C.
Other names: short protein forms L1099F.
Identifiers: ClinVar variation 1378347 (VCV001378347.6), dbSNP rs779464248, ClinGen allele CA7050165.